The following is an entry in ClinVar:

ClinVar aggregate classification (germline): Uncertain significance (1 of 4 stars; one submission).

Allele frequency attached by ClinVar (database versions not stated): gnomAD exomes below 0.00001.
gnomAD v4.1: 2 of 1,612,406 alleles (0.00012%); highest among the groups gnomAD compares: Non-Finnish European, 0.00017%; no homozygotes.

Submission:

Labcorp Genetics (formerly Invitae), Labcorp
Classification: Uncertain significance. Last evaluated: 2022-02-08. Review status: criteria provided, single submitter. Criteria: Invitae Variant Classification Sherloc (09022015). Collection method: clinical testing. Allele origin: germline.
Comment: In summary, the available evidence is currently insufficient to determine the role of this variant in disease. Therefore, it has been classified as a Variant of Uncertain Significance. Variants that disrupt the consensus splice site are a relatively common cause of aberrant splicing (PMID: 17576681, 9536098). Algorithms developed to predict the effect of sequence changes on RNA splicing suggest that this variant may create or strengthen a splice site. This variant has not been reported in the literature in individuals affected with TAF2-related conditions. This variant is present in population databases (no rsID available, gnomAD 0.0009%). This sequence change falls in intron 24 of the TAF2 gene. It does not directly change the encoded amino acid sequence of the TAF2 protein. It affects a nucleotide within the consensus splice site.

Literature cited by the submitters: PubMed 17576681; PubMed 9536098.

NM_003184.4(TAF2):c.3214+6A>G

Gene: TAF2 (TATA-box binding protein associated factor 2; minus strand). Cytogenetic location: 8q24.12.
Variant type: single nucleotide variant.
Coding change: c.3214+6A>G on transcript NM_003184.4 (MANE Select); 6 bases into the intron after coding-DNA position 3214, A replaced by G.
Molecular consequence: intron variant.
Genome position (GRCh38, 1-based): chr8:119,744,282, T>C on the plus strand (A>G on the coding strand, the complement: TAF2 is on the minus strand). VCF-style: chr8-119744282-T-C. GRCh37 (hg19) VCF-style: chr8-120756522-T-C.
Identifiers: ClinVar variation 1905079 (VCV001905079.5), dbSNP rs1234495397, ClinGen allele CA584343270.